The following is an entry in ClinVar:

ClinVar aggregate classification (germline): Likely benign. Review status: criteria provided, multiple submitters, no conflicts (2 of 4 stars). 3 submissions from 3 submitters: Likely benign (3). Last evaluated 2025-06-15.

Conditions:
Cardiovascular phenotype. Identifiers: MedGen CN230736.
Dilated cardiomyopathy 1G (CMD1G). Identifiers: Orphanet 154, MedGen C1858763, MONDO:0011400, OMIM 604145.
Autosomal recessive limb-girdle muscular dystrophy type 2J (LGMDR10). Also called: Limb-girdle muscular dystrophy, type 2J; MUSCULAR DYSTROPHY, LIMB-GIRDLE, AUTOSOMAL RECESSIVE 10. Identifiers: Orphanet 140922, MedGen C1837342, MONDO:0012127, OMIM 608807.

Allele frequency attached by ClinVar (database versions not stated): ExAC 0.00001; gnomAD 0.00001; gnomAD exomes 0.00001.
gnomAD v4.1: 12 of 1,613,522 alleles (0.00074%); highest among the groups gnomAD compares: Non-Finnish European, 0.001%; no homozygotes.

Submissions (3):

Labcorp Genetics (formerly Invitae), Labcorp
Classification: Likely benign for Dilated cardiomyopathy 1G; Autosomal recessive limb-girdle muscular dystrophy type 2J. Last evaluated: 2025-06-15. Review status: criteria provided, single submitter. Criteria: Invitae Variant Classification Sherloc (09022015). Collection method: clinical testing. Allele origin: germline.

Ambry Genetics
Classification: Likely benign for Cardiovascular phenotype. Last evaluated: 2025-02-27. Review status: criteria provided, single submitter. Criteria: Ambry Variant Classification Scheme 2023. Collection method: clinical testing. Allele origin: germline.

Mayo Clinic Laboratories, Mayo Clinic
Classification: Likely benign. Last evaluated: 2025-02-05. Review status: criteria provided, single submitter. Criteria: ACMG Guidelines, 2015. Collection method: clinical testing. Allele origin: germline. Observed: 1 variant allele.
Comment: BP4, BP7

NM_001267550.2(TTN):c.79128A>G (p.Ala26376=)

Genes: TTN-AS1 (TTN antisense RNA 1; plus strand), TTN (titin; minus strand). Cytogenetic location: 2q31.2.
Variant type: single nucleotide variant.
Coding change: c.79128A>G on transcript NM_001267550.2 (MANE Select); coding-DNA position 79128, A replaced by G.
Protein change: p.Ala26376=; no amino-acid change (alanine 26376 retained).
Molecular consequence: synonymous variant.
Genome position (GRCh38, 1-based): chr2:178,567,004, T>C on the plus strand (A>G on the coding strand, the complement: TTN is on the minus strand). VCF-style: chr2-178567004-T-C. GRCh37 (hg19) VCF-style: chr2-179431731-T-C.
Other names: p.Ala23808=; c.74205A>G, p.Ala24735= (NM_001256850.1); c.51933A>G, p.Ala17311= (NM_003319.4); c.71424A>G, p.Ala23808= (NM_133378.4); c.52308A>G, p.Ala17436= (NM_133432.3); c.52509A>G, p.Ala17503= (NM_133437.4).
Identifiers: ClinVar variation 2924287 (VCV002924287.5), dbSNP rs756245745, ClinGen allele CA1989519.